The following is an entry in ClinVar:

NM_006005.3(WFS1):c.2222C>T (p.Ala741Val)

Gene: WFS1 (wolframin ER transmembrane glycoprotein; plus strand). Cytogenetic location: 4p16.1.
Variant type: single nucleotide variant.
Coding change: c.2222C>T on transcript NM_006005.3 (MANE Select); coding-DNA position 2222, C replaced by T.
Protein change: p.Ala741Val; replaces alanine 741 with valine.
Molecular consequence: missense variant.
Genome position (GRCh38, 1-based): chr4:6,302,017, C>T. VCF-style: chr4-6302017-C-T. GRCh37 (hg19) VCF-style: chr4-6303744-C-T.
Other names: c.2222C>T, p.Ala741Val (NM_001145853.1); short protein forms A741V.
Identifiers: ClinVar variation 1900383 (VCV001900383.6), dbSNP rs770396410, ClinGen allele CA323939.

ClinVar aggregate classification (germline): Uncertain significance. Review status: criteria provided, multiple submitters, no conflicts (2 of 4 stars). 2 submissions from 2 submitters: Uncertain significance (2). Last evaluated 2024-05-09.

Conditions:
Cataract 41 (CTRCT41). Also called: CATARACT 41, CONGENITAL NUCLEAR TYPE. Identifiers: Orphanet 91492, Orphanet 98991, Orphanet 98992, Orphanet 98995, MedGen C3805412, MONDO:0007287, OMIM 116400.
Autosomal dominant nonsyndromic hearing loss 6 (LFSNHL). Also called: DEAFNESS, AUTOSOMAL DOMINANT 6; Autosomal dominant nonsyndromic deafness 6; DEAFNESS, AUTOSOMAL DOMINANT 14; DEAFNESS, AUTOSOMAL DOMINANT 38. Identifiers: Orphanet 90635, MedGen C1833021, MONDO:0010963, OMIM 600965.
Wolfram-like syndrome. Also called: HEARING LOSS, PROGRESSIVE, WITH OPTIC ATROPHY AND/OR IMPAIRED GLUCOSE REGULATION. Identifiers: Orphanet 411590, MedGen C3280358, MONDO:0013673, OMIM 614296.
Type 2 diabetes mellitus. Also called: Type II diabetes mellitus. Identifiers: MedGen C0011860, MeSH D003924, MONDO:0005148, OMIM 125853, HP:0005978.
Wolfram syndrome 1 (WFS1). Identifiers: Orphanet 3463, MedGen C4551693, MONDO:0009101, OMIM 222300.

Allele frequency attached by ClinVar (database versions not stated): gnomAD 0.00001; gnomAD exomes 0.00001; TOPMed 0.00002.
gnomAD v4.1: 15 of 1,612,634 alleles (0.00093%); highest among the groups gnomAD compares: Admixed American, 0.0017%; no homozygotes.

Submissions (2):

Fulgent Genetics
Classification: Uncertain significance for Cataract 41; Type 2 diabetes mellitus; Wolfram syndrome 1; Autosomal dominant nonsyndromic hearing loss 6; Wolfram-like syndrome. Last evaluated: 2024-05-09. Review status: criteria provided, single submitter. Criteria: ACMG Guidelines, 2015. Collection method: clinical testing. Allele origin: germline.

Labcorp Genetics (formerly Invitae), Labcorp
Classification: Uncertain significance. Last evaluated: 2023-12-18. Review status: criteria provided, single submitter. Criteria: Invitae Variant Classification Sherloc (09022015). Collection method: clinical testing. Allele origin: germline.
Comment: This sequence change replaces alanine, which is neutral and non-polar, with valine, which is neutral and non-polar, at codon 741 of the WFS1 protein (p.Ala741Val). This variant is present in population databases (rs770396410, gnomAD 0.003%). This variant has not been reported in the literature in individuals affected with WFS1-related conditions. ClinVar contains an entry for this variant (Variation ID: 1900383). Advanced modeling of protein sequence and biophysical properties (such as structural, functional, and spatial information, amino acid conservation, physicochemical variation, residue mobility, and thermodynamic stability) performed at Invitae indicates that this missense variant is not expected to disrupt WFS1 protein function with a negative predictive value of 95%. In summary, the available evidence is currently insufficient to determine the role of this variant in disease. Therefore, it has been classified as a Variant of Uncertain Significance.